The following is an entry in ClinVar:

ClinVar aggregate classification (germline): Conflicting classifications of pathogenicity. Review status: criteria provided, conflicting classifications (1 of 4 stars). 5 submissions from 5 submitters: Pathogenic (1); Likely pathogenic (1); Uncertain significance (3). Last evaluated 2025-10-07.

Conditions:
MYO15A-related disorder. Also called: MYO15A-related condition.

gnomAD v4.1: 21 of 1,613,644 alleles (0.0013%); highest among the groups gnomAD compares: East Asian, 0.0022%; no homozygotes.

Submissions (5):

Labcorp Genetics (formerly Invitae), Labcorp
Classification: Pathogenic. Last evaluated: 2025-10-07. Review status: criteria provided, single submitter. Criteria: Invitae Variant Classification Sherloc (09022015). Collection method: clinical testing. Allele origin: germline.
Comment: This sequence change replaces arginine, which is basic and polar, with tryptophan, which is neutral and slightly polar, at codon 2124 of the MYO15A protein (p.Arg2124Trp). This variant is present in population databases (rs768443645, gnomAD 0.02%). This missense change has been observed in individual(s) with nonsyndromic deafness (PMID: 35052694; internal data). In at least one individual the data is consistent with being in trans (on the opposite chromosome) from a pathogenic variant. ClinVar contains an entry for this variant (Variation ID: 3771046). Invitae Evidence Modeling of protein sequence and biophysical properties (such as structural, functional, and spatial information, amino acid conservation, physicochemical variation, residue mobility, and thermodynamic stability) indicates that this missense variant is expected to disrupt MYO15A protein function with a positive predictive value of 80%. This variant disrupts the p.Arg2124 amino acid residue in MYO15A. Other variant(s) that disrupt this residue have been determined to be pathogenic (PMID: 19274735). This suggests that this residue is clinically significant, and that variants that disrupt this residue are likely to be disease-causing. For these reasons, this variant has been classified as Pathogenic.

PreventionGenetics, part of Exact Sciences
Classification: Uncertain significance for MYO15A-related condition. Last evaluated: 2025-09-03. Review status: criteria provided, single submitter. Criteria: ACMG Guidelines, 2015. Collection method: clinical testing. Allele origin: germline.
Comment: The MYO15A c.6370C>T variant is predicted to result in the amino acid substitution p.Arg2124Trp. This variant was reported along with other potentially causative MYO15A variants in cis and trans in an individual with hearing loss (Morgan et al. 2021. PubMed ID: 35052694). This variant is reported in 0.019% of alleles in individuals of European (Finnish) descent in gnomAD. At this time, the clinical significance of this variant is uncertain due to the absence of conclusive functional and genetic evidence.

Women's Health and Genetics/Laboratory Corporation of America, LabCorp
Classification: Uncertain significance. Last evaluated: 2025-07-23. Review status: criteria provided, single submitter. Criteria: LabCorp Variant Classification Summary - May 2015. Collection method: clinical testing. Allele origin: germline.
Comment: Variant summary: MYO15A c.6370C>T (p.Arg2124Trp) results in a non-conservative amino acid change in the encoded protein sequence. Algorithms developed to predict the effect of missense changes on protein structure and function all suggest that this variant is likely to be disruptive. The variant allele was found at a frequency of 4e-05 in 248702 control chromosomes (gnomAD). This frequency is not significantly higher than estimated for a pathogenic variant in MYO15A causing Autosomal Recessive Nonsyndromic Hearing Loss 3, allowing no conclusion about variant significance. c.6370C>T has been observed as one of three MYO15A variants identified in an individual affected with hearing loss (Morgan_2021). This variant was found to be in cis with another MYO15A variant of uncertain significance, therefore this report does not provide unequivocal conclusions about association of the variant with Autosomal Recessive Nonsyndromic Hearing Loss 3. To our knowledge, no experimental evidence demonstrating an impact on protein function has been reported. The following publication have been ascertained in the context of this evaluation (PMID: 35052694). ClinVar contains an entry for this variant (Variation ID: 3771046). Based on the evidence outlined above, the variant was classified as uncertain significance.

CeGaT Center for Human Genetics Tuebingen
Classification: Likely pathogenic. Last evaluated: 2025-03-01. Review status: criteria provided, single submitter. Criteria: CeGaT Center For Human Genetics Tuebingen Variant Classification Criteria Version 2. Collection method: clinical testing. Allele origin: germline. Affected: yes. Observed: 1 variant allele.
Comment: MYO15A: PM2, PM3, PM5

Blueprint Genetics
Classification: Uncertain significance. Last evaluated: 2019-08-29. Review status: criteria provided, single submitter. Criteria: ACMG Guidelines, 2015. Collection method: clinical testing. Allele origin: germline.

Literature cited by the submitters: PubMed 35052694 (cited by Labcorp Genetics (formerly Invitae), Labcorp and Women's Health and Genetics/Laboratory Corporation of America, LabCorp); PubMed 19274735 (cited by Labcorp Genetics (formerly Invitae), Labcorp).

NM_016239.4(MYO15A):c.6370C>T (p.Arg2124Trp)

Gene: MYO15A (myosin XVA; plus strand). Cytogenetic location: 17p11.2.
Variant type: single nucleotide variant.
Coding change: c.6370C>T on transcript NM_016239.4 (MANE Select); coding-DNA position 6370, C replaced by T.
Protein change: p.Arg2124Trp; replaces arginine 2124 with tryptophan.
Molecular consequence: missense variant.
Genome position (GRCh38, 1-based): chr17:18,145,968, C>T. VCF-style: chr17-18145968-C-T. GRCh37 (hg19) VCF-style: chr17-18049282-C-T.
Other names: c.6370C>T (NM_016239.3); short protein forms R2124W.
Identifiers: ClinVar variation 3771046 (VCV003771046.19).